The following is an entry in ClinVar:

ClinVar aggregate classification (germline): Pathogenic (1 of 4 stars; one submission).

Conditions:
Autosomal recessive axonal neuropathy with neuromyotonia (NMAN). Also called: Gamstorp-Wohlfart syndrome; Neuromyotonia and axonal neuropathy, autosomal recessive; MYOKYMIA, MYOTONIA, AND MUSCLE WASTING. Identifiers: Orphanet 324442, MedGen C5700127, MONDO:0007646, OMIM 137200.

Submission:

Labcorp Genetics (formerly Invitae), Labcorp
Classification: Pathogenic for Autosomal recessive axonal neuropathy with neuromyotonia. Last evaluated: 2017-11-02. Review status: criteria provided, single submitter. Criteria: Invitae Variant Classification Sherloc (09022015). Collection method: clinical testing. Allele origin: germline.
Comment: A gross deletion of the genomic region encompassing the full coding sequence of the HINT1 gene has been identified. The boundaries of this event are unknown as the deletion extends beyond the assayed region for this gene and therefore may encompass additional genes. This variant has not been reported in the literature in individuals with HINT1-related disease. Loss-of-function variants in HINT1 are known to be pathogenic (PMID: 2961002, 25342199, 26059562). For these reasons, this variant has been classified as Pathogenic.

NC_000005.10:g.(?_131159427)_(131165225_?)del

Gene: HINT1 (histidine triad nucleotide binding protein 1; minus strand). Cytogenetic location: 5q23.3.
Variant type: Deletion.
Identifiers: ClinVar variation 543794 (VCV000543794.1).